The following is an entry in ClinVar:

ClinVar aggregate classification (germline): Benign. Review status: criteria provided, multiple submitters, no conflicts (2 of 4 stars). 4 submissions from 2 submitters: Benign (4). Last evaluated 2018-01-13.

Conditions:
Paroxysmal extreme pain disorder (PEXPD). Also called: PAIN, SUBMANDIBULAR, OCULAR, AND RECTAL, WITH FLUSHING; RECTAL PAIN, FAMILIAL; SCN9A Paroxysmal Extreme Pain Disorder (SCN9A-PEPD). Identifiers: Orphanet 46348, MedGen C1833661, MONDO:0008179, OMIM 167400.
Channelopathy-associated congenital insensitivity to pain, autosomal recessive. Also called: Insensitivity to pain, channelopathy-associated; ASYMBOLIA FOR PAIN; CONGENITAL ANALGESIA, AUTOSOMAL RECESSIVE. Identifiers: Orphanet 88642, Orphanet 970, MedGen C1855739, MONDO:0009459, OMIM 243000.
Primary erythromelalgia. Also called: SCN9A Erythromelalgia (SCN9A-EM); primary erythermalgia. Identifiers: Orphanet 306577, Orphanet 90026, MedGen C0014805, MONDO:0007571, OMIM 133020.

Allele frequency attached by ClinVar (database versions not stated): 1000 Genomes Project 30x 0.03232; 1000 Genomes Project 0.03235; TOPMed 0.06169; gnomAD 0.06432 and 0.06645.

Submissions (4):

Illumina Laboratory Services, Illumina
Classification: Benign for Primary erythromelalgia. Last evaluated: 2018-01-13. Review status: criteria provided, single submitter. Criteria: ICSL Variant Classification Criteria 13 December 2019. Collection method: clinical testing. Allele origin: germline.
Comment: This variant was observed in the ICSL laboratory as part of a predisposition screen in an ostensibly healthy population. It had not been previously curated by ICSL or reported in the Human Gene Mutation Database (HGMD: prior to June 1st, 2018), and was therefore a candidate for classification through an automated scoring system. Utilizing variant allele frequency, disease prevalence and penetrance estimates, and inheritance mode, an automated score was calculated to assess if this variant is too frequent to cause the disease. Based on the score and internal cut-off values, a variant classified as benign is not then subjected to further curation. The score for this variant resulted in a classification of benign for this disease.

Illumina Laboratory Services, Illumina
Classification: Benign for Channelopathy-associated congenital insensitivity to pain, autosomal recessive. Last evaluated: 2018-01-13. Review status: criteria provided, single submitter. Criteria: ICSL Variant Classification Criteria 13 December 2019. Collection method: clinical testing. Allele origin: germline.
Comment: the same text as in the submission from Illumina Laboratory Services, Illumina above.

Illumina Laboratory Services, Illumina
Classification: Benign for Paroxysmal extreme pain disorder. Last evaluated: 2018-01-13. Review status: criteria provided, single submitter. Criteria: ICSL Variant Classification Criteria 13 December 2019. Collection method: clinical testing. Allele origin: germline.
Comment: the same text as in the submission from Illumina Laboratory Services, Illumina above.

Breakthrough Genomics
Classification: Benign. Review status: criteria provided, single submitter. Criteria: ACMG Guidelines, 2015. Collection method: not provided. Allele origin: germline. Inheritance: Autosomal recessive inheritance. Affected: yes.

NM_001365536.1(SCN9A):c.*2297A>T

Genes: SCN1A-AS1 (SCN1A and SCN9A antisense RNA 1; plus strand), SCN9A (sodium voltage-gated channel alpha subunit 9; minus strand). Cytogenetic location: 2q24.3.
Variant type: single nucleotide variant.
Coding change: c.*2297A>T on transcript NM_001365536.1 (MANE Select); 2297 bases downstream of the stop codon, A replaced by T.
Molecular consequence: 3 prime UTR variant.
Genome position (GRCh38, 1-based): chr2:166,196,375, T>A on the plus strand (A>T on the coding strand, the complement: SCN9A is on the minus strand). VCF-style: chr2-166196375-T-A. GRCh37 (hg19) VCF-style: chr2-167052885-T-A.
Other names: c.*2297A>T (NM_002977.4).
Identifiers: ClinVar variation 331913 (VCV000331913.7), dbSNP rs75345520, ClinGen allele CA10611594.
Genomic context (GRCh38, chr2:166,196,375, plus strand): 5'-TCCTGAAACAAACGTAAATATATATAAAACTTAACCATGTTATTTTAAAAAAAAACATAG[T>A]TCATGAAATAGGAAAAAGAACAACTTTATATATATTTTTGAAATGCTAAGAAGAAATTGT-3'